The following is an entry in ClinVar:

ClinVar aggregate classification (germline): Pathogenic (1 of 4 stars; one submission).

Submission:

Labcorp Genetics (formerly Invitae), Labcorp
Classification: Pathogenic. Last evaluated: 2023-07-14. Review status: criteria provided, single submitter. Criteria: Invitae Variant Classification Sherloc (09022015). Collection method: clinical testing. Allele origin: germline.
Comment: This sequence change creates a premature translational stop signal (p.Ser28Argfs*4) in the LPIN1 gene. It is expected to result in an absent or disrupted protein product. Loss-of-function variants in LPIN1 are known to be pathogenic (PMID: 18817903, 20583302, 22481384, 26111941). For these reasons, this variant has been classified as Pathogenic. This variant has not been reported in the literature in individuals affected with LPIN1-related conditions. This variant is not present in population databases (gnomAD no frequency).

Literature cited by the submitters: PubMed 18817903; PubMed 20583302; PubMed 22481384; PubMed 26111941.

NM_001349206.2(LPIN1):c.78_79del (p.Ser28fs)

Gene: LPIN1 (lipin 1; plus strand). Cytogenetic location: 2p25.1.
Variant type: Microsatellite.
Coding change: c.78_79del on transcript NM_001349206.2 (MANE Select); coding-DNA positions 78 to 79, 2 bases deleted (AC; older notation c.78_79delAC).
Protein change: p.Ser28fs; shifts the reading frame from serine 28.
Molecular consequence: frameshift variant. On other transcripts: non-coding transcript variant (1).
Genome position (GRCh38, 1-based): chr2:11,765,619-11,765,620, AC deleted; deleting any 2 consecutive bases within chr2:11,765,616-11,765,620 gives the same sequence; the c. name uses the placement nearest the transcript's 3' end. VCF-style (leftmost placement, unchanged base first): chr2-11765615-CCA-C. GRCh37 (hg19) VCF-style: chr2-11905741-CCA-C.
Other names: c.96_97del, p.Ser34fs (NM_001261427.3); c.225_226del, p.Ser77fs (NM_001261428.3, NM_001349208.2); c.78_79del, p.Ser28fs (NM_001349199.2, NM_001349200.2, NM_001349201.2 and 5 more transcripts); c.168_169del, p.Ser58fs (NM_001349207.2); short protein forms S77fs, S28fs, S34fs, S58fs.
Identifiers: ClinVar variation 2857438 (VCV002857438.3), dbSNP rs2546077425, ClinGen allele CA2739274134.